The following is an entry in ClinVar:

ClinVar aggregate classification (germline): Likely benign. Review status: criteria provided, multiple submitters, no conflicts (2 of 4 stars). 2 submissions from 2 submitters: Likely benign (2). Last evaluated 2023-11-01.

Allele frequency attached by ClinVar (database versions not stated): gnomAD 0.00001; gnomAD exomes 0.00001; TOPMed 0.00002.
gnomAD v4.1: 13 of 1,210,120 alleles (0.0011%); highest among the groups gnomAD compares: Non-Finnish European, 0.0013%; no homozygotes.

Submissions (2):

CeGaT Center for Human Genetics Tuebingen
Classification: Likely benign. Last evaluated: 2023-11-01. Review status: criteria provided, single submitter. Criteria: CeGaT Center For Human Genetics Tuebingen Variant Classification Criteria Version 2. Collection method: clinical testing. Allele origin: germline. Affected: yes. Observed: 1 variant allele.
Comment: FRMPD4: BP4, BP7

Blueprint Genetics
Classification: Likely benign. Last evaluated: 2020-06-30. Review status: criteria provided, single submitter. Criteria: ACMG Guidelines, 2015. Collection method: clinical testing. Allele origin: germline.

NM_001368397.1(FRMPD4):c.3420T>C (p.Asp1140=)

Gene: FRMPD4 (FERM and PDZ domain containing 4; plus strand). Cytogenetic location: Xp22.2.
Variant type: single nucleotide variant.
Coding change: c.3420T>C on transcript NM_001368397.1 (MANE Select); coding-DNA position 3420, T replaced by C.
Protein change: p.Asp1140=; no amino-acid change (aspartic acid 1140 retained).
Molecular consequence: synonymous variant.
Genome position (GRCh38, 1-based): chrX:12,718,246, T>C. VCF-style: chrX-12718246-T-C. GRCh37 (hg19) VCF-style: chrX-12736365-T-C.
Other names: c.3531T>C, p.Asp1177= (NM_001368395.3, NM_001368398.3); c.3426T>C, p.Asp1142= (NM_001368396.3); c.3411T>C, p.Asp1137= (NM_001368399.3); c.3300T>C, p.Asp1100= (NM_001368400.3); c.3396T>C, p.Asp1132= (NM_001368401.1, NM_001368402.3); c.3420T>C, p.Asp1140= (NM_014728.3).
Identifiers: ClinVar variation 2673215 (VCV002673215.24), dbSNP rs1344873923, ClinGen allele CA515623291.